The following is an entry in ClinVar:

ClinVar aggregate classification (germline): Likely benign. Review status: criteria provided, multiple submitters, no conflicts (2 of 4 stars). 2 submissions from 2 submitters: Likely benign (2). Last evaluated 2024-03-28.

Conditions:
Pityriasis rubra pilaris (PRP). Also called: Pityriasis rubra pilaris--familial type. Identifiers: Orphanet 2897, MedGen C0032027, MONDO:0100017, OMIM 173200, MONDO:0008251.
Psoriasis 2. Identifiers: MedGen C1864497, MONDO:0011269, OMIM 602723.

Allele frequency attached by ClinVar (database versions not stated): gnomAD 0.00001; ExAC 0.00003.
gnomAD v4.1: 19 of 1,586,924 alleles (0.0012%); highest among the groups gnomAD compares: Middle Eastern, 0.017%; no homozygotes.

Submissions (2):

Labcorp Genetics (formerly Invitae), Labcorp
Classification: Likely benign for Pityriasis rubra pilaris; Psoriasis 2. Last evaluated: 2024-03-28. Review status: criteria provided, single submitter. Criteria: Invitae Variant Classification Sherloc (09022015). Collection method: clinical testing. Allele origin: germline.

CeGaT Center for Human Genetics Tuebingen
Classification: Likely benign. Last evaluated: 2023-01-01. Review status: criteria provided, single submitter. Criteria: CeGaT Center For Human Genetics Tuebingen Variant Classification Criteria Version 2. Collection method: clinical testing. Allele origin: germline. Affected: yes. Observed: 1 variant allele.
Comment: CARD14: BP4, BP7

NM_001366385.1(CARD14):c.36G>A (p.Thr12=)

Gene: CARD14 (caspase recruitment domain family member 14; plus strand). Cytogenetic location: 17q25.3.
Variant type: single nucleotide variant.
Coding change: c.36G>A on transcript NM_001366385.1 (MANE Select); coding-DNA position 36, G replaced by A.
Protein change: p.Thr12=; no amino-acid change (threonine 12 retained).
Molecular consequence: synonymous variant. On other transcripts: non-coding transcript variant (1).
Genome position (GRCh38, 1-based): chr17:80,181,474, G>A. VCF-style: chr17-80181474-G-A. GRCh37 (hg19) VCF-style: chr17-78155273-G-A.
Other names: c.36G>A, p.Thr12= (NM_024110.4, NM_001257970.1).
Identifiers: ClinVar variation 2648398 (VCV002648398.26), dbSNP rs747222317, ClinGen allele CA8816325.